The following is an entry in ClinVar:

NM_207352.4(CYP4V2):c.13T>C (p.Trp5Arg)

Genes: CYP4V2 (cytochrome P450 family 4 subfamily V member 2; plus strand), LOC129993526 (ATAC-STARR-seq lymphoblastoid silent region 15858; plus strand). Cytogenetic location: 4q35.1.
Variant type: single nucleotide variant.
Coding change: c.13T>C on transcript NM_207352.4 (MANE Select); coding-DNA position 13, T replaced by C.
Protein change: p.Trp5Arg; replaces tryptophan 5 with arginine.
Molecular consequence: missense variant.
Genome position (GRCh38, 1-based): chr4:186,191,836, T>C. VCF-style: chr4-186191836-T-C. GRCh37 (hg19) VCF-style: chr4-187112990-T-C.
Other names: short protein forms W5R.
Identifiers: ClinVar variation 4761713 (VCV004761713.1).

ClinVar aggregate classification (germline): Uncertain significance (1 of 4 stars; one submission).

Submission:

Labcorp Genetics (formerly Invitae), Labcorp
Classification: Uncertain significance. Last evaluated: 2025-02-05. Review status: criteria provided, single submitter. Criteria: Invitae Variant Classification Sherloc (09022015). Collection method: clinical testing. Allele origin: germline.
Comment: This sequence change replaces tryptophan, which is neutral and slightly polar, with arginine, which is basic and polar, at codon 5 of the CYP4V2 protein (p.Trp5Arg). This variant is not present in population databases (gnomAD no frequency). This variant has not been reported in the literature in individuals affected with CYP4V2-related conditions. Invitae Evidence Modeling of protein sequence and biophysical properties (such as structural, functional, and spatial information, amino acid conservation, physicochemical variation, residue mobility, and thermodynamic stability) indicates that this missense variant is expected to disrupt CYP4V2 protein function with a positive predictive value of 80%. In summary, the available evidence is currently insufficient to determine the role of this variant in disease. Therefore, it has been classified as a Variant of Uncertain Significance.